The following is an entry in ClinVar:

NM_000138.5(FBN1):c.2659T>C (p.Cys887Arg)

Gene: FBN1 (fibrillin 1; minus strand). Cytogenetic location: 15q21.1.
Variant type: single nucleotide variant.
Coding change: c.2659T>C on transcript NM_000138.5 (MANE Select); coding-DNA position 2659, T replaced by C.
Protein change: p.Cys887Arg; replaces cysteine 887 with arginine.
Molecular consequence: missense variant.
Genome position (GRCh38, 1-based): chr15:48,495,141, A>G on the plus strand (T>C on the coding strand, the complement: FBN1 is on the minus strand). VCF-style: chr15-48495141-A-G. GRCh37 (hg19) VCF-style: chr15-48787338-A-G.
Other names: c.2659T>C, p.Cys887Arg (NM_001406716.1); short protein forms C887R.
Identifiers: ClinVar variation 1325483 (VCV001325483.2), dbSNP rs2141303537, ClinGen allele CA392332030.
Genomic context (GRCh38, chr15:48,495,141, plus strand): 5'-CCATTGGAGTGGTATAGGAACCACAGCATGGGTTTCTCTTACCAACTTGGCATAGGGTGC[A>G]CGGGCTTCCCCACGCAGCACCGAGGGAGGAGCAGCACTGGGACTTTAAGGTGGCTCCATT-3'
Protein context (NP_000129.3, residues 877-897): SSLGAAWGSP[Cys887Arg]TLCQVDPICG

ClinVar aggregate classification (germline): Likely pathogenic (1 of 4 stars; one submission).

Conditions:
Marfan syndrome (MFS). Also called: Marfan syndrome type 1; Marfan's syndrome; FBN1-Related Marfan Syndrome; MARFAN SYNDROME, TYPE I; Marfan syndrome, classic. Identifiers: Orphanet 284963, Orphanet 558, MedGen C0024796, MONDO:0007947, OMIM 154700.

Submission:

Centre of Medical Genetics, University of Antwerp
Classification: Likely pathogenic for Marfan syndrome. Last evaluated: 2021-03-01. Review status: criteria provided, single submitter. Criteria: Submitter's publication. Collection method: research. Allele origin: unknown. Affected: yes.
Comment: PM2, PS5, PP4